The following is an entry in ClinVar:

NM_020738.4(KIDINS220):c.876T>G (p.Tyr292Ter)

Gene: KIDINS220 (kinase D interacting substrate 220; minus strand). Cytogenetic location: 2p25.1.
Variant type: single nucleotide variant.
Coding change: c.876T>G on transcript NM_020738.4 (MANE Select); coding-DNA position 876, T replaced by G.
Protein change: p.Tyr292Ter; replaces tyrosine 292 with a stop codon.
Molecular consequence: nonsense. On other transcripts: non-coding transcript variant (2).
Genome position (GRCh38, 1-based): chr2:8,800,424, A>C on the plus strand (T>G on the coding strand, the complement: KIDINS220 is on the minus strand). VCF-style: chr2-8800424-A-C. GRCh37 (hg19) VCF-style: chr2-8940554-A-C.
Other names: c.879T>G, p.Tyr293Ter (NM_001348729.2, NM_001348731.2, NM_001348734.2 and 3 more transcripts); c.876T>G, p.Tyr292Ter (NM_001348732.2, NM_001348735.2, NM_001348738.2 and 3 more transcripts); c.750T>G, p.Tyr250Ter (NM_001348736.2); short protein forms Y292*, Y250*, Y293*.
Identifiers: ClinVar variation 2585019 (VCV002585019.1), dbSNP rs755294265, ClinGen allele CA345772137.

ClinVar aggregate classification (germline): Likely pathogenic (1 of 4 stars; one submission).

Conditions:
Spastic paraplegia, intellectual disability, nystagmus, and obesity. Also called: Spastic paraplegia, intellectual disability, nystagmus, and obesity;. Identifiers: Orphanet 521390, MedGen C4284592, MONDO:0015007, OMIM 617296.

Submission:

Neuberg Centre For Genomic Medicine, NCGM
Classification: Likely pathogenic for Spastic paraplegia, intellectual disability, nystagmus, and obesity. Review status: criteria provided, single submitter. Criteria: ACMG Guidelines, 2015. Collection method: clinical testing. Allele origin: germline. Inheritance: Autosomal dominant inheritance. Affected: yes.
Comment: The c.876T>G (p.Tyr292Ter) stop gained variant in KIDINS220 gene has not been reported previously as a pathogenic variant nor as a benign variant, to our knowledge. The c.876T>G variant is novel (not in any individuals) in gnomAD Exomes and 1000 Genomes. This variant is predicted to cause loss of normal protein function through protein truncation. Loss of function variants have been previously reported to be disease causing. For these reasons, this variant has been classified as Likely Pathogenic